The following is an entry in ClinVar:

ClinVar aggregate classification (germline): Uncertain significance. Review status: criteria provided, multiple submitters, no conflicts (2 of 4 stars). 2 submissions from 2 submitters: Uncertain significance (2). Last evaluated 2022-06-13.

Conditions:
Immunodeficiency 18 (IMD18). Also called: CD3-EPSILON DEFICIENCY; CD3epsilon deficiency. Identifiers: MedGen C3810127, MONDO:0014278, OMIM 615615.

Allele frequency attached by ClinVar (database versions not stated): gnomAD exomes below 0.00001.
gnomAD v4.1: 3 of 1,614,112 alleles (0.00019%); highest among the groups gnomAD compares: Non-Finnish European, 0.00025%; no homozygotes.

Submissions (2):

Labcorp Genetics (formerly Invitae), Labcorp
Classification: Uncertain significance for Immunodeficiency 18. Last evaluated: 2022-06-13. Review status: criteria provided, single submitter. Criteria: Invitae Variant Classification Sherloc (09022015). Collection method: clinical testing. Allele origin: germline.
Comment: This variant is not present in population databases (gnomAD no frequency). In summary, the available evidence is currently insufficient to determine the role of this variant in disease. Therefore, it has been classified as a Variant of Uncertain Significance. Algorithms developed to predict the effect of missense changes on protein structure and function are either unavailable or do not agree on the potential impact of this missense change (SIFT: "Tolerated"; PolyPhen-2: "Not Available"; Align-GVGD: "Class C0"). ClinVar contains an entry for this variant (Variation ID: 1032457). This variant has not been reported in the literature in individuals affected with CD3E-related conditions. This sequence change replaces asparagine, which is neutral and polar, with threonine, which is neutral and polar, at codon 74 of the CD3E protein (p.Asn74Thr).

Baylor Genetics
Classification: Uncertain significance for Immunodeficiency 18. Last evaluated: 2018-10-05. Review status: criteria provided, single submitter. Criteria: ACMG Guidelines, 2015. Collection method: clinical testing. Allele origin: paternal. Affected: yes.
Comment: This variant was determined to be of uncertain significance according to ACMG Guidelines, 2015 [PMID:25741868].

NM_000733.4(CD3E):c.221A>C (p.Asn74Thr)

Gene: CD3E (CD3 epsilon subunit of T-cell receptor complex; plus strand). Cytogenetic location: 11q23.3.
Variant type: single nucleotide variant.
Coding change: c.221A>C on transcript NM_000733.4 (MANE Select); coding-DNA position 221, A replaced by C.
Protein change: p.Asn74Thr; replaces asparagine 74 with threonine.
Molecular consequence: missense variant.
Genome position (GRCh38, 1-based): chr11:118,312,735, A>C. VCF-style: chr11-118312735-A-C. GRCh37 (hg19) VCF-style: chr11-118183450-A-C.
Other names: short protein forms N74T.
Identifiers: ClinVar variation 1032457 (VCV001032457.8), dbSNP rs1948142751, ClinGen allele CA382782310.